The following is an entry in ClinVar:

ClinVar aggregate classification (germline): Likely benign (1 of 4 stars; one submission).

Conditions:
UNC13A-related disorder. Also called: UNC13A-related condition.

gnomAD v4.1: 196 of 1,541,432 alleles (0.013%); highest among the groups gnomAD compares: Non-Finnish European, 0.015%; no homozygotes.

Submission:

PreventionGenetics, part of Exact Sciences
Classification: Likely benign for UNC13A-related condition. Last evaluated: 2025-01-24. Review status: criteria provided, single submitter. Criteria: ACMG Guidelines, 2015. Collection method: clinical testing. Allele origin: germline.
Comment: This variant is classified as likely benign based on ACMG/AMP sequence variant interpretation guidelines (Richards et al. 2015 PMID: 25741868, with internal and published modifications).

NM_001080421.3(UNC13A):c.1224C>T (p.Pro408=)

Gene: UNC13A (unc-13 homolog A; minus strand). Cytogenetic location: 19p13.11.
Variant type: single nucleotide variant.
Coding change: c.1224C>T on transcript NM_001080421.3 (MANE Select); coding-DNA position 1224, C replaced by T.
Protein change: p.Pro408=; no amino-acid change (proline 408 retained).
Molecular consequence: synonymous variant.
Genome position (GRCh38, 1-based): chr19:17,655,942, G>A on the plus strand (C>T on the coding strand, the complement: UNC13A is on the minus strand). VCF-style: chr19-17655942-G-A. GRCh37 (hg19) VCF-style: chr19-17766751-G-A.
Other names: c.1224C>T, p.Pro408= (NM_001387021.1, NM_001387022.1, NM_001387023.1).
Identifiers: ClinVar variation 4977735 (VCV004977735.1).
Genomic context (GRCh38, chr19:17,655,942, plus strand): 5'-CCTCTCCTCGTCCTTGGGTGGCTCAGCCTCAGGGATCTGCTCAGCTGCAGGCACCTTGTC[G>A]GGCGTGGCTGGCTTGGGGGCCACCTTGGCCATGTCGGGGGCCTCGGTGGGTGCCACTGGG-3'
Protein context (NP_001073890.2, residues 398-418): MAKVAPKPAT[Pro408=]DKVPAAEQIP